The following is an entry in ClinVar:

ClinVar aggregate classification (germline): Conflicting classifications of pathogenicity. Review status: criteria provided, conflicting classifications (1 of 4 stars). 5 submissions from 5 submitters: Uncertain significance (4); Likely benign (1). Last evaluated 2026-05-05.

Conditions:
Breast-ovarian cancer, familial, susceptibility to, 4. Identifiers: Orphanet 145, MedGen C3280345, MONDO:0013669, OMIM 614291.
Hereditary cancer-predisposing syndrome. Also called: Neoplastic Syndromes, Hereditary; Hereditary neoplastic syndrome; Tumor predisposition; Hereditary Cancer Syndrome. Identifiers: Orphanet 140162, MedGen C0027672, MeSH D009386, MONDO:0015356.
Hereditary breast ovarian cancer syndrome. Also called: Hereditary breast and/or ovarian cancer syndrome; Hereditary breast and ovarian cancer; Hereditary breast and ovarian cancer syndrome (HBOC); Hereditary breast and ovarian cancer syndrome; Breast and ovarian cancer; BRCA1- and BRCA2-Associated Hereditary Breast and Ovarian Cancer. Identifiers: Orphanet 145, MedGen C0677776, MeSH D061325, MONDO:0003582. Disease mechanism: loss of function.

Allele frequency attached by ClinVar (database versions not stated): gnomAD exomes below 0.00001; TOPMed 0.00001.
gnomAD v4.1: 1 of 1,609,908 alleles (0.000062%); highest among the groups gnomAD compares: Non-Finnish European, 0.000085%; no homozygotes.

Submissions (5):

German Consortium for Hereditary Breast and Ovarian Cancer, University Hospital Cologne
Classification: Uncertain significance for Hereditary breast ovarian cancer syndrome. Last evaluated: 2026-05-05. Review status: criteria provided, single submitter. Criteria: ACMG SVI. Collection method: curation. Allele origin: germline.
Comment: This classification follows the ACMG SVI adaptation classification scheme; We chose these criteria: PM2 (supporting pathogenic): 1x in gnomAD v4, BP7 (strong benign): no aberrant transcripts in in-house RNA-seq Nanopore data in Leipzig; acc. to Walker et al, 2023, BP7_STR

Labcorp Genetics (formerly Invitae), Labcorp
Classification: Likely benign for Breast-ovarian cancer, familial, susceptibility to, 4. Last evaluated: 2026-01-21. Review status: criteria provided, single submitter. Criteria: Invitae Variant Classification Sherloc (09022015). Collection method: clinical testing. Allele origin: germline.

Dasa
Classification: Uncertain significance. Last evaluated: 2025-12-01. Review status: criteria provided, single submitter. Criteria: DASA Assertion Criteria. Collection method: clinical testing. Allele origin: germline.
Comment: NM_002878.4(RAD51D):c.577-6C>A is a splice-region variant. This variant is rare in population databases. The currently available literature and clinical evidence are not sufficient to establish a definitive association between this variant and the reported condition. Therefore, this variant is classified as a variant of uncertain significance.

Color Diagnostics, LLC DBA Color Health
Classification: Uncertain significance for Hereditary cancer-predisposing syndrome. Last evaluated: 2021-03-09. Review status: criteria provided, single submitter. Criteria: ACMG Guidelines, 2015. Collection method: clinical testing. Allele origin: germline.
Comment: This variant causes a C to A nucleotide substitution at the -6 position of intron 6 of the RAD51D gene. Splice site prediction tools suggest that this variant may impact RNA splicing, although this prediction has not been confirmed in published RNA studies. To our knowledge, this variant has not been reported in individuals affected with hereditary cancer in the literature. This variant has been identified in 1/250980 chromosomes in the general population by the Genome Aggregation Database (gnomAD). The available evidence is insufficient to determine the role of this variant in disease conclusively. Therefore, this variant is classified as a Variant of Uncertain Significance.

Institute of Human Genetics, University of Leipzig Medical Center
Classification: Uncertain significance for Breast-ovarian cancer, familial, susceptibility to, 4. Last evaluated: 2019-12-10. Review status: criteria provided, single submitter. Criteria: ACMG Guidelines, 2015. Collection method: clinical testing. Allele origin: germline. Affected: yes. Observed: 1 variant allele.

NM_002878.4(RAD51D):c.577-6C>A

Genes: RAD51D (RAD51 paralog D; minus strand), RAD51L3-RFFL (RAD51L3-RFFL readthrough; minus strand). Cytogenetic location: 17q12.
Variant type: single nucleotide variant.
Coding change: c.577-6C>A on transcript NM_002878.4 (MANE Select); 6 bases into the intron before coding-DNA position 577, C replaced by A.
Molecular consequence: intron variant.
Genome position (GRCh38, 1-based): chr17:35,103,550, G>T on the plus strand (C>A on the coding strand, the complement: RAD51D is on the minus strand). VCF-style: chr17-35103550-G-T. GRCh37 (hg19) VCF-style: chr17-33430569-G-T.
Other names: c.241-6C>A (NM_133629.3); c.637-6C>A (NM_001142571.2).
Identifiers: ClinVar variation 839212 (VCV000839212.13), dbSNP rs1210749655, ClinGen allele CA625782484.